The following is an entry in ClinVar:

ClinVar aggregate classification (germline): Uncertain significance (1 of 4 stars; one submission).

Submission:

Dasa
Classification: Uncertain significance. Last evaluated: 2025-11-10. Review status: criteria provided, single submitter. Criteria: DASA Assertion Criteria. Collection method: clinical testing. Allele origin: germline.
Comment: NM_001101421.4(MYO1H):c.2943del (p.Lys981Asnfs*31) is a frameshift variant in MYO1H predicted to alter the reading frame and introduce a premature termination codon. This variant is absent from population databases. The currently available literature and clinical evidence are not sufficient to establish a definitive association between this variant and the reported condition. Therefore, this variant is classified as a variant of uncertain significance.

NM_001101421.4(MYO1H):c.2943del (p.Lys981fs)

Gene: MYO1H (myosin IH; plus strand). Cytogenetic location: 12q24.11.
Variant type: Deletion.
Coding change: c.2943del on transcript NM_001101421.4 (MANE Select); coding-DNA position 2943, one base deleted (A; older notation c.2943delA).
Protein change: p.Lys981fs; shifts the reading frame from lysine 981.
Molecular consequence: frameshift variant.
Genome position (GRCh38, 1-based): chr12:109,444,479, A deleted; the last of 3 consecutive A bases (chr12:109,444,477-109,444,479); deleting any one gives the same sequence. VCF-style (leftmost placement, unchanged base first): chr12-109444476-TA-T. GRCh37 (hg19) VCF-style: chr12-109882281-TA-T.
Other names: short protein forms K981fs.
Identifiers: ClinVar variation 4883909 (VCV004883909.2).